The following is an entry in ClinVar:

ClinVar aggregate classification (germline): Uncertain significance (1 of 4 stars; one submission).

Allele frequency attached by ClinVar (database versions not stated): gnomAD exomes below 0.00001.
gnomAD v4.1: 6 of 1,607,274 alleles (0.00037%); highest among the groups gnomAD compares: East Asian, 0.013%; no homozygotes.

Submission:

Labcorp Genetics (formerly Invitae), Labcorp
Classification: Uncertain significance. Last evaluated: 2025-07-09. Review status: criteria provided, single submitter. Criteria: Invitae Variant Classification Sherloc (09022015). Collection method: clinical testing. Allele origin: germline.
Comment: This sequence change replaces lysine, which is basic and polar, with threonine, which is neutral and polar, at codon 81 of the IFT88 protein (p.Lys81Thr). This variant is not present in population databases (gnomAD no frequency). This variant has not been reported in the literature in individuals affected with IFT88-related conditions. ClinVar contains an entry for this variant (Variation ID: 1483263). An algorithm developed to predict the effect of missense changes on protein structure and function (PolyPhen-2) suggests that this variant is likely to be tolerated. In summary, the available evidence is currently insufficient to determine the role of this variant in disease. Therefore, it has been classified as a Variant of Uncertain Significance.

NM_006531.5(IFT88):c.215A>C (p.Lys72Thr)

Gene: IFT88 (intraflagellar transport 88; plus strand). Cytogenetic location: 13q12.11.
Variant type: single nucleotide variant.
Coding change: c.215A>C on transcript NM_006531.5 (MANE Select); coding-DNA position 215, A replaced by C.
Protein change: p.Lys72Thr; replaces lysine 72 with threonine.
Molecular consequence: missense variant. On other transcripts: 5 prime UTR variant (1), non-coding transcript variant (5).
Genome position (GRCh38, 1-based): chr13:20,590,971, A>C. VCF-style: chr13-20590971-A-C. GRCh37 (hg19) VCF-style: chr13-21165110-A-C.
Other names: c.242A>C, p.Lys81Thr (NM_001353566.2, NM_001353567.2, NM_001353569.2 and 6 more transcripts); c.215A>C, p.Lys72Thr (NM_001353568.2, NM_001353571.2, NM_001353572.2 and 1 more transcripts); c.158A>C, p.Lys53Thr (NM_001353573.2, NM_001353574.2, NM_001318491.2 and 1 more transcripts); c.-349A>C (NM_001353579.2); short protein forms K53T, K81T, K72T.
Identifiers: ClinVar variation 1483263 (VCV001483263.6), dbSNP rs1452960490, ClinGen allele CA387471539.